The following is an entry in ClinVar:

NM_020461.4(TUBGCP6):c.1779C>T (p.His593=)

Gene: TUBGCP6 (tubulin gamma complex component 6; minus strand). Cytogenetic location: 22q13.33.
Variant type: single nucleotide variant.
Coding change: c.1779C>T on transcript NM_020461.4 (MANE Select); coding-DNA position 1779, C replaced by T.
Protein change: p.His593=; no amino-acid change (histidine 593 retained).
Molecular consequence: synonymous variant.
Genome position (GRCh38, 1-based): chr22:50,226,104, G>A on the plus strand (C>T on the coding strand, the complement: TUBGCP6 is on the minus strand). VCF-style: chr22-50226104-G-A. GRCh37 (hg19) VCF-style: chr22-50664533-G-A.
Identifiers: ClinVar variation 1121350 (VCV001121350.18), dbSNP rs143474393, ClinGen allele CA10308520.

ClinVar aggregate classification (germline): Likely benign. Review status: criteria provided, multiple submitters, no conflicts (2 of 4 stars). 3 submissions from 3 submitters: Likely benign (3). Last evaluated 2025-07-01.

Allele frequency attached by ClinVar (database versions not stated): gnomAD exomes 0.00007 and 0.00013; ExAC 0.00011; ESP Exome Variant Server 0.00023; TOPMed 0.00024; gnomAD 0.00025.
gnomAD v4.1: 145 of 1,614,146 alleles (0.009%); highest among the groups gnomAD compares: African/African-American, 0.072%; no homozygotes.

Submissions (3):

CeGaT Center for Human Genetics Tuebingen
Classification: Likely benign. Last evaluated: 2025-07-01. Review status: criteria provided, single submitter. Criteria: CeGaT Center For Human Genetics Tuebingen Variant Classification Criteria Version 2. Collection method: clinical testing. Allele origin: germline. Affected: yes. Observed: 1 variant allele.
Comment: TUBGCP6: BP4, BP7

Labcorp Genetics (formerly Invitae), Labcorp
Classification: Likely benign. Last evaluated: 2025-03-17. Review status: criteria provided, single submitter. Criteria: Invitae Variant Classification Sherloc (09022015). Collection method: clinical testing. Allele origin: germline.

Blueprint Genetics
Classification: Likely benign. Last evaluated: 2023-11-27. Review status: criteria provided, single submitter. Criteria: ACMG Guidelines, 2015. Collection method: clinical testing. Allele origin: germline.